The following is an entry in ClinVar:

ClinVar aggregate classification (germline): Likely benign (0 of 4 stars; one submission).

Conditions:
Movement disorder. Also called: Movement disorders; Abnormality of movement. Identifiers: MedGen C0026650, MONDO:0005395, HP:0100022.

Submission:

Joint Genome Diagnostic Labs from Nijmegen and Maastricht, Radboudumc and MUMC+
Classification: Likely benign for movement disorder. Review status: no assertion criteria provided. Collection method: clinical testing. Allele origin: germline. Affected: yes.
Comment: Found in cis with pathogenic monoallelic variant

NM_000153.4(GALC):c.1161+3946G>A

Gene: GALC (galactosylceramidase; minus strand). Cytogenetic location: 14q31.3.
Variant type: single nucleotide variant.
Coding change: c.1161+3946G>A on transcript NM_000153.4 (MANE Select); 3946 bases into the intron after coding-DNA position 1161, G replaced by A.
Molecular consequence: intron variant.
Genome position (GRCh38, 1-based): chr14:87,959,438, C>T on the plus strand (G>A on the coding strand, the complement: GALC is on the minus strand). VCF-style: chr14-87959438-C-T. GRCh37 (hg19) VCF-style: chr14-88425782-C-T.
Other names: c.528+3946G>A (NM_001424076.1, NM_001424077.1); c.1083+3946G>A (NM_001201402.2); c.1092+3946G>A (NM_001201401.2); c.813+3946G>A (NM_001424075.1, NM_001424074.1); c.993+3946G>A (NM_001424072.1, NM_001424073.1, NM_001424071.1).
Identifiers: ClinVar variation 3338131 (VCV003338131.1).